The following is an entry in ClinVar:

ClinVar aggregate classification (germline): Uncertain significance. Review status: criteria provided, multiple submitters, no conflicts (2 of 4 stars). 3 submissions from 3 submitters: Uncertain significance (3). Last evaluated 2024-09-05.

Conditions:
Intellectual developmental disorder, autosomal dominant 29. Also called: Intellectual disability, autosomal dominant 29; SETBP1 Haploinsufficiency Disorder. Identifiers: Orphanet 436151, MedGen C4015141, MONDO:0014482, OMIM 616078.

Allele frequency attached by ClinVar (database versions not stated): gnomAD 0.00001; gnomAD exomes below 0.00001; ExAC 0.00001.
gnomAD v4.1: 6 of 1,611,098 alleles (0.00037%); highest among the groups gnomAD compares: South Asian, 0.0011%; no homozygotes.

Submissions (3):

Blueprint Genetics
Classification: Uncertain significance. Last evaluated: 2024-09-05. Review status: criteria provided, single submitter. Criteria: ACMG Guidelines, 2015. Collection method: clinical testing. Allele origin: germline.

Labcorp Genetics (formerly Invitae), Labcorp
Classification: Uncertain significance. Last evaluated: 2024-01-24. Review status: criteria provided, single submitter. Criteria: Invitae Variant Classification Sherloc (09022015). Collection method: clinical testing. Allele origin: germline.
Comment: This sequence change replaces arginine, which is basic and polar, with cysteine, which is neutral and slightly polar, at codon 143 of the SETBP1 protein (p.Arg143Cys). This variant is not present in population databases (gnomAD no frequency). This variant has not been reported in the literature in individuals affected with SETBP1-related conditions. ClinVar contains an entry for this variant (Variation ID: 1343271). An algorithm developed to predict the effect of missense changes on protein structure and function (PolyPhen-2) suggests that this variant is likely to be disruptive. In summary, the available evidence is currently insufficient to determine the role of this variant in disease. Therefore, it has been classified as a Variant of Uncertain Significance.

Institute of Human Genetics, Clinical Exome/Genome Diagnostics Group, University Hospital Bonn
Classification: Uncertain significance for Intellectual developmental disorder, autosomal dominant 29. Last evaluated: 2021-11-23. Review status: criteria provided, single submitter. Criteria: ACMG Guidelines, 2015. Collection method: clinical testing. Allele origin: germline. Affected: yes.
Comment: PM2, BP1

NM_015559.3(SETBP1):c.427C>T (p.Arg143Cys)

Gene: SETBP1 (SET binding protein 1; plus strand). Cytogenetic location: 18q12.3.
Variant type: single nucleotide variant.
Coding change: c.427C>T on transcript NM_015559.3 (MANE Select); coding-DNA position 427, C replaced by T.
Protein change: p.Arg143Cys; replaces arginine 143 with cysteine.
Molecular consequence: missense variant.
Genome position (GRCh38, 1-based): chr18:44,701,773, C>T. VCF-style: chr18-44701773-C-T. GRCh37 (hg19) VCF-style: chr18-42281738-C-T.
Other names: c.427C>T, p.Arg143Cys (NM_001130110.2, NM_001379141.1, NM_001379142.1); short protein forms R143C.
Identifiers: ClinVar variation 1343271 (VCV001343271.9), dbSNP rs768195901, ClinGen allele CA8945372.